The following is an entry in ClinVar:

ClinVar aggregate classification (germline): Uncertain significance. Review status: criteria provided, multiple submitters, no conflicts (2 of 4 stars). 2 submissions from 2 submitters: Uncertain significance (2). Last evaluated 2024-03-02.

Allele frequency attached by ClinVar (database versions not stated): gnomAD exomes 0.00002; TOPMed 0.00004; gnomAD 0.00005; ExAC 0.00015; ESP Exome Variant Server 0.00024.

Submissions (2):

Labcorp Genetics (formerly Invitae), Labcorp
Classification: Uncertain significance. Last evaluated: 2024-03-02. Review status: criteria provided, single submitter. Criteria: Invitae Variant Classification Sherloc (09022015). Collection method: clinical testing. Allele origin: germline.
Comment: This sequence change replaces arginine, which is basic and polar, with histidine, which is basic and polar, at codon 373 of the MYO7A protein (p.Arg373His). The frequency data for this variant in the population databases is considered unreliable, as metrics indicate poor data quality at this position in the gnomAD database. This missense change has been observed in individual(s) with deafness (PMID: 33671976). ClinVar contains an entry for this variant (Variation ID: 2083510). Advanced modeling of protein sequence and biophysical properties (such as structural, functional, and spatial information, amino acid conservation, physicochemical variation, residue mobility, and thermodynamic stability) performed at Invitae indicates that this missense variant is not expected to disrupt MYO7A protein function with a negative predictive value of 95%. This variant disrupts the p.Arg373 amino acid residue in MYO7A. Other variant(s) that disrupt this residue have been determined to be pathogenic (PMID: 22903915, 30733538, 32467589, 32747562). This suggests that this residue is clinically significant, and that variants that disrupt this residue are likely to be disease-causing. In summary, the available evidence is currently insufficient to determine the role of this variant in disease. Therefore, it has been classified as a Variant of Uncertain Significance.

Women's Health and Genetics/Laboratory Corporation of America, LabCorp
Classification: Uncertain significance. Last evaluated: 2023-12-04. Review status: criteria provided, single submitter. Criteria: LabCorp Variant Classification Summary - May 2015. Collection method: clinical testing. Allele origin: germline.
Comment: Variant summary: MYO7A c.1118G>A (p.Arg373His) results in a non-conservative amino acid change located in the myosin head, motor domain (IPR001609) of the encoded protein sequence. Three of five in-silico tools predict a benign effect of the variant on protein function. The variant allele was found at a frequency of 2.5e-05 in 1577520 control chromosomes (gnomAD). This frequency is not significantly higher than estimated for a pathogenic variant in MYO7A causing Usher Syndrome (2.5e-05 vs 0.0061), allowing no conclusion about variant significance. c.1118G>A has been reported in the literature in the compound heterozygous state in an individual affected with non-syndromic deafness (Yan_2016, Kabahuma_2021). This report does not provide unequivocal conclusions about association of the variant with Usher Syndrome. To our knowledge, no experimental evidence demonstrating an impact on protein function has been reported. The following publications have been ascertained in the context of this evaluation (PMID: 33671976, 27344577). One submitter has cited a clinical-significance assessment for this variant to ClinVar after 2014 and has classified the variant as uncertain significance. Based on the evidence outlined above, the variant was classified as uncertain significance.

Literature cited by the submitters: PubMed 33671976 (cited by Labcorp Genetics (formerly Invitae), Labcorp and Women's Health and Genetics/Laboratory Corporation of America, LabCorp); PubMed 22903915 (cited by Labcorp Genetics (formerly Invitae), Labcorp); PubMed 30733538 (cited by Labcorp Genetics (formerly Invitae), Labcorp); PubMed 32467589 (cited by Labcorp Genetics (formerly Invitae), Labcorp); PubMed 32747562 (cited by Labcorp Genetics (formerly Invitae), Labcorp); PubMed 27344577 (cited by Women's Health and Genetics/Laboratory Corporation of America, LabCorp).

NM_000260.4(MYO7A):c.1118G>A (p.Arg373His)

Gene: MYO7A (myosin VIIA; plus strand). Cytogenetic location: 11q13.5.
Variant type: single nucleotide variant.
Coding change: c.1118G>A on transcript NM_000260.4 (MANE Select); coding-DNA position 1118, G replaced by A.
Protein change: p.Arg373His; replaces arginine 373 with histidine.
Molecular consequence: missense variant.
Genome position (GRCh38, 1-based): chr11:77,160,200, G>A. VCF-style: chr11-77160200-G-A. GRCh37 (hg19) VCF-style: chr11-76871246-G-A.
Other names: c.1118G>A, p.Arg373His (NM_001127180.2); c.1085G>A, p.Arg362His (NM_001369365.1); short protein forms R362H, R373H.
Identifiers: ClinVar variation 2083510 (VCV002083510.3), dbSNP rs201491278, ClinGen allele CA6197390.